The following is an entry in ClinVar:

NM_001291303.3(FAT4):c.4195C>A (p.Pro1399Thr)

Gene: FAT4 (FAT atypical cadherin 4; plus strand). Cytogenetic location: 4q28.1.
Variant type: single nucleotide variant.
Coding change: c.4195C>A on transcript NM_001291303.3 (MANE Select); coding-DNA position 4195, C replaced by A.
Protein change: p.Pro1399Thr; replaces proline 1399 with threonine.
Molecular consequence: missense variant.
Genome position (GRCh38, 1-based): chr4:125,320,606, C>A. VCF-style: chr4-125320606-C-A. GRCh37 (hg19) VCF-style: chr4-126241761-C-A.
Other names: c.4195C>A, p.Pro1399Thr (NM_001291285.3, NM_024582.6); short protein forms P1399T.
Identifiers: ClinVar variation 1679495 (VCV001679495.7), dbSNP rs1486226093, ClinGen allele CA358125893.

ClinVar aggregate classification (germline): Uncertain significance (1 of 4 stars; one submission).

Submission:

ARUP Laboratories, Molecular Genetics and Genomics, ARUP Laboratories
Classification: Uncertain significance. Last evaluated: 2022-02-11. Review status: criteria provided, single submitter. Criteria: ARUP Molecular Germline Variant Investigation Process 2021. Collection method: clinical testing. Allele origin: germline.
Comment: The FAT4 c.4195C>A; p.Pro1399Thr variant (rs1486226093), to our knowledge, is not reported in the medical literature or gene specific databases. This variant is also absent from general population databases (Exome Variant Server, Genome Aggregation Database), indicating it is not a common polymorphism. The proline at codon 1399 is highly conserved, but computational analyses are uncertain whether this variant is neutral or deleterious (REVEL: 0.163). Due to limited information, the clinical significance of the p.Pro1399Thr variant is uncertain at this time.